The following is an entry in ClinVar:

NM_000548.5(TSC2):c.3357G>C (p.Gln1119His)

Gene: TSC2 (TSC complex subunit 2; plus strand). Cytogenetic location: 16p13.3.
Variant type: single nucleotide variant.
Coding change: c.3357G>C on transcript NM_000548.5 (MANE Select); coding-DNA position 3357, G replaced by C.
Protein change: p.Gln1119His; replaces glutamine 1119 with histidine.
Molecular consequence: missense variant. On other transcripts: non-coding transcript variant (5).
Genome position (GRCh38, 1-based): chr16:2,079,629, G>C. VCF-style: chr16-2079629-G-C. GRCh37 (hg19) VCF-style: chr16-2129630-G-C.
Other names: c.2754G>C, p.Gln918His (NM_001406684.1); c.2628G>C, p.Gln876His (NM_001406685.1, NM_001406686.1); c.2625G>C, p.Gln875His (NM_001406687.1, NM_001406688.1, NM_001318831.2); c.2013G>C, p.Gln671His (NM_001406689.1); c.1884G>C, p.Gln628His (NM_001406690.1, NM_001406692.1, NM_001406693.1 and 1 more transcripts); c.1881G>C, p.Gln627His (NM_001406691.1, NM_001406695.1, NM_001406696.1 and 1 more transcripts); c.1623G>C, p.Gln541His (NM_001406698.1); c.3228G>C, p.Gln1076His (NM_021055.3, NM_001370405.1, NM_001363528.2); and 18 more; short protein forms Q1026H, Q1039H, Q1075H, Q1086H, Q627H, Q671H, Q1069H, Q1082H.
Identifiers: ClinVar variation 4192107 (VCV004192107.1).

ClinVar aggregate classification (germline): Uncertain significance (1 of 4 stars; one submission).

Conditions:
Hereditary cancer-predisposing syndrome. Also called: Neoplastic Syndromes, Hereditary; Tumor predisposition; Hereditary Cancer Syndrome; Hereditary neoplastic syndrome. Identifiers: Orphanet 140162, MedGen C0027672, MeSH D009386, MONDO:0015356.

Submission:

Ambry Genetics
Classification: Uncertain significance for Hereditary cancer-predisposing syndrome. Last evaluated: 2025-08-01. Review status: criteria provided, single submitter. Criteria: Ambry Variant Classification Scheme 2023. Collection method: clinical testing. Allele origin: germline.
Comment: The p.Q1119H variant (also known as c.3357G>C), located in coding exon 28 of the TSC2 gene, results from a G to C substitution at nucleotide position 3357. The glutamine at codon 1119 is replaced by histidine, an amino acid with highly similar properties. This amino acid position is conserved. In addition, the in silico prediction for this alteration is inconclusive. Based on the available evidence, the clinical significance of this variant remains unclear.